The following is an entry in ClinVar:

ClinVar aggregate classification (germline): Uncertain significance (1 of 4 stars; one submission).

Allele frequency attached by ClinVar (database versions not stated): TOPMed 0.00004.

Submission:

Labcorp Genetics (formerly Invitae), Labcorp
Classification: Uncertain significance. Last evaluated: 2023-10-08. Review status: criteria provided, single submitter. Criteria: Invitae Variant Classification Sherloc (09022015). Collection method: clinical testing. Allele origin: germline.
Comment: This sequence change replaces leucine, which is neutral and non-polar, with proline, which is neutral and non-polar, at codon 66 of the NEUROD1 protein (p.Leu66Pro). This variant is not present in population databases (gnomAD no frequency). This variant has not been reported in the literature in individuals affected with NEUROD1-related conditions. ClinVar contains an entry for this variant (Variation ID: 1353733). Advanced modeling of protein sequence and biophysical properties (such as structural, functional, and spatial information, amino acid conservation, physicochemical variation, residue mobility, and thermodynamic stability) performed at Invitae indicates that this missense variant is not expected to disrupt NEUROD1 protein function. In summary, the available evidence is currently insufficient to determine the role of this variant in disease. Therefore, it has been classified as a Variant of Uncertain Significance.

NM_002500.5(NEUROD1):c.197T>C (p.Leu66Pro)

Gene: NEUROD1 (neuronal differentiation 1; minus strand). Cytogenetic location: 2q31.3.
Variant type: single nucleotide variant.
Coding change: c.197T>C on transcript NM_002500.5 (MANE Select); coding-DNA position 197, T replaced by C.
Protein change: p.Leu66Pro; replaces leucine 66 with proline.
Molecular consequence: missense variant.
Genome position (GRCh38, 1-based): chr2:181,678,664, A>G on the plus strand (T>C on the coding strand, the complement: NEUROD1 is on the minus strand). VCF-style: chr2-181678664-A-G. GRCh37 (hg19) VCF-style: chr2-182543391-A-G.
Other names: short protein forms L66P.
Identifiers: ClinVar variation 1353733 (VCV001353733.6), dbSNP rs1353757840, ClinGen allele CA349786987.